The following is an entry in ClinVar:

ClinVar aggregate classification (germline): Likely benign. Review status: criteria provided, multiple submitters, no conflicts (2 of 4 stars). 3 submissions from 3 submitters: Likely benign (3). Last evaluated 2025-10-21.

Conditions:
Inborn genetic diseases. Identifiers: MedGen C0950123, MeSH D030342.
Charcot-Marie-Tooth disease axonal type 2P. Also called: CHARCOT-MARIE-TOOTH NEUROPATHY, TYPE 2P; Charcot-Marie-Tooth Neuropathy Type 2G; CHARCOT-MARIE-TOOTH DISEASE, AXONAL, TYPE 2G; CMT 2G. Identifiers: Orphanet 300319, Orphanet 99941, MedGen C3280797, MONDO:0013753, OMIM 614436.

Allele frequency attached by ClinVar (database versions not stated): gnomAD 0.00003; ESP Exome Variant Server 0.00008; 1000 Genomes Project 30x 0.00016; 1000 Genomes Project 0.00020.
gnomAD v4.1: 67 of 1,614,008 alleles (0.0042%); highest among the groups gnomAD compares: South Asian, 0.02%; no homozygotes.

Submissions (3):

Mayo Clinic Laboratories, Mayo Clinic
Classification: Likely benign. Last evaluated: 2025-10-21. Review status: criteria provided, single submitter. Criteria: ACMG Guidelines, 2015. Collection method: clinical testing. Allele origin: germline. Observed: 1 variant allele.
Comment: BP4, BP7

Labcorp Genetics (formerly Invitae), Labcorp
Classification: Likely benign for Charcot-Marie-Tooth disease axonal type 2P. Last evaluated: 2025-08-12. Review status: criteria provided, single submitter. Criteria: Invitae Variant Classification Sherloc (09022015). Collection method: clinical testing. Allele origin: germline.

Ambry Genetics
Classification: Likely benign for Inborn genetic diseases. Last evaluated: 2019-07-11. Review status: criteria provided, single submitter. Criteria: Ambry Variant Classification Scheme 2023. Collection method: clinical testing. Allele origin: germline.

NM_001005373.4(LRSAM1):c.498G>A (p.Pro166=)

Gene: LRSAM1 (leucine rich repeat and sterile alpha motif containing 1; plus strand). Cytogenetic location: 9q33.3.
Variant type: single nucleotide variant.
Coding change: c.498G>A on transcript NM_001005373.4 (MANE Select); coding-DNA position 498, G replaced by A.
Protein change: p.Pro166=; no amino-acid change (proline 166 retained).
Molecular consequence: synonymous variant. On other transcripts: 5 prime UTR variant (1), non-coding transcript variant (2).
Genome position (GRCh38, 1-based): chr9:127,462,343, G>A. VCF-style: chr9-127462343-G-A. GRCh37 (hg19) VCF-style: chr9-130224622-G-A.
Other names: p.Pro166=; c.498G>A (NM_138361.4); c.498G>A, p.Pro166= (NM_001005374.4, NM_001190723.3, NM_001384142.1 and 2 more transcripts); c.-287G>A (NM_001384144.1).
Identifiers: ClinVar variation 472802 (VCV000472802.15), dbSNP rs140809697, ClinGen allele CA5246565.